The following is an entry in ClinVar:

NM_006579.3(EBP):c.226C>G (p.His76Asp)

Gene: EBP (EBP cholestenol delta-isomerase; plus strand). Cytogenetic location: Xp11.23.
Variant type: single nucleotide variant.
Coding change: c.226C>G on transcript NM_006579.3 (MANE Select); coding-DNA position 226, C replaced by G.
Protein change: p.His76Asp; replaces histidine 76 with aspartic acid.
Molecular consequence: missense variant.
Genome position (GRCh38, 1-based): chrX:48,523,997, C>G. VCF-style: chrX-48523997-C-G. GRCh37 (hg19) VCF-style: chrX-48382385-C-G.
Other names: short protein forms H76D.
Identifiers: ClinVar variation 4745674 (VCV004745674.2).

ClinVar aggregate classification (germline): Conflicting classifications of pathogenicity. Review status: criteria provided, conflicting classifications (1 of 4 stars). 2 submissions from 2 submitters: Likely pathogenic (1); Uncertain significance (1). Last evaluated 2025-09-25.

Conditions:
Chondrodysplasia punctata 2 X-linked dominant (CDPX2). Also called: EBP-Related X-Linked Chondrodysplasia Punctata; CONRADI-HUNERMANN-HAPPLE SYNDROME; HAPPLE SYNDROME; Hunermann-Conradi Syndrome. Identifiers: Orphanet 35173, MedGen C0282102, MONDO:0020603, OMIM 302960.

Submissions (2):

3billion
Classification: Uncertain significance for Chondrodysplasia punctata 2 X-linked dominant. Last evaluated: 2025-09-25. Review status: criteria provided, single submitter. Criteria: ACMG Guidelines, 2015. Collection method: clinical testing. Allele origin: germline. Affected: yes.
Comment: The variant is not observed in the gnomAD v4.1.0 dataset. Predicted Consequence/Location: Missense variant In silico tool predictions suggest damaging effect of the variant on gene or gene product [REVEL: 0.93 (>=0.6, sensitivity 0.68 and specificity 0.92); 3Cnet: 0.99 (> 0.75, sensitivity 0.96 and precision 0.92)]. A different missense change at the same codon (p.His76Tyr) have been reported to be associated with EBP-related disorder (ClinVar ID: VCV002138564 /PMID: 18387283). However the evidence of pathogenicity is insufficient at this time. Therefore, this variant is classified as VUS according to the recommendation of ACMG/AMP guideline.

Labcorp Genetics (formerly Invitae), Labcorp
Classification: Likely pathogenic. Last evaluated: 2025-04-30. Review status: criteria provided, single submitter. Criteria: Invitae Variant Classification Sherloc (09022015). Collection method: clinical testing. Allele origin: germline.
Comment: This sequence change replaces histidine, which is basic and polar, with aspartic acid, which is acidic and polar, at codon 76 of the EBP protein (p.His76Asp). This variant is not present in population databases (gnomAD no frequency). This missense change has been observed in individual(s) with clinical features of Conradi-Hünermann-Happle syndrome (internal data). Invitae Evidence Modeling of protein sequence and biophysical properties (such as structural, functional, and spatial information, amino acid conservation, physicochemical variation, residue mobility, and thermodynamic stability) indicates that this missense variant is expected to disrupt EBP protein function with a positive predictive value of 95%. This variant disrupts the p.His76 amino acid residue in EBP. Other variant(s) that disrupt this residue have been observed in individuals with EBP-related conditions (PMID: 18387283), which suggests that this may be a clinically significant amino acid residue. In summary, the currently available evidence indicates that the variant is pathogenic, but additional data are needed to prove that conclusively. Therefore, this variant has been classified as Likely Pathogenic.

Literature cited by the submitters: PubMed 18387283 (cited by 3billion and Labcorp Genetics (formerly Invitae), Labcorp).